The following is an entry in ClinVar:

ClinVar aggregate classification (germline): Uncertain significance (1 of 4 stars; one submission).

Conditions:
Oligodontia-cancer predisposition syndrome. Also called: TOOTH AGENESIS-COLORECTAL CANCER SYNDROME. Identifiers: Orphanet 300576, MedGen C1837750, MONDO:0012075, OMIM 608615. Disease mechanism: loss of function.

Submission:

Labcorp Genetics (formerly Invitae), Labcorp
Classification: Uncertain significance for Oligodontia-cancer predisposition syndrome. Last evaluated: 2023-07-16. Review status: criteria provided, single submitter. Criteria: Invitae Variant Classification Sherloc (09022015). Collection method: clinical testing. Allele origin: germline.
Comment: In summary, the available evidence is currently insufficient to determine the role of this variant in disease. Therefore, it has been classified as a Variant of Uncertain Significance. Algorithms developed to predict the effect of missense changes on protein structure and function output the following: SIFT: "Not Available"; PolyPhen-2: "Benign"; Align-GVGD: "Not Available". The serine amino acid residue is found in multiple mammalian species, which suggests that this missense change does not adversely affect protein function. ClinVar contains an entry for this variant (Variation ID: 464571). This variant has not been reported in the literature in individuals affected with AXIN2-related conditions. This variant is not present in population databases (gnomAD no frequency). This sequence change replaces proline, which is neutral and non-polar, with serine, which is neutral and polar, at codon 600 of the AXIN2 protein (p.Pro600Ser).

NM_004655.4(AXIN2):c.1798C>T (p.Pro600Ser)

Gene: AXIN2 (axin 2; minus strand). Cytogenetic location: 17q24.1.
Variant type: single nucleotide variant.
Coding change: c.1798C>T on transcript NM_004655.4 (MANE Select); coding-DNA position 1798, C replaced by T.
Protein change: p.Pro600Ser; replaces proline 600 with serine.
Molecular consequence: missense variant. On other transcripts: intron variant (1).
Genome position (GRCh38, 1-based): chr17:65,536,978, G>A on the plus strand (C>T on the coding strand, the complement: AXIN2 is on the minus strand). VCF-style: chr17-65536978-G-A. GRCh37 (hg19) VCF-style: chr17-63533096-G-A.
Other names: c.1712+346C>T (NM_001363813.1); c.1798C>T (LRG_296t1); short protein forms P600S.
Identifiers: ClinVar variation 464571 (VCV000464571.10), dbSNP rs1555577425, ClinGen allele CA400676598.